The following is an entry in ClinVar:

NM_000132.4(F8):c.6679G>A (p.Ala2227Thr)

Gene: F8 (coagulation factor VIII; minus strand). Cytogenetic location: Xq28.
Variant type: single nucleotide variant.
Coding change: c.6679G>A on transcript NM_000132.4 (MANE Select); coding-DNA position 6679, G replaced by A.
Protein change: p.Ala2227Thr; replaces alanine 2227 with threonine.
Molecular consequence: missense variant.
Genome position (GRCh38, 1-based): chrX:154,861,762, C>T on the plus strand (G>A on the coding strand, the complement: F8 is on the minus strand). VCF-style: chrX-154861762-C-T. GRCh37 (hg19) VCF-style: chrX-154090037-C-T.
Other names: p.Ala2227Thr; c.274G>A, p.Ala92Thr (NM_019863.3); short protein forms A2227T, A92T.
Identifiers: ClinVar variation 973794 (VCV000973794.5), dbSNP rs1342196860, ClinGen allele CA414905472.

ClinVar aggregate classification (germline): Pathogenic/Likely pathogenic. Review status: criteria provided, multiple submitters, no conflicts (2 of 4 stars). 4 submissions from 4 submitters: Pathogenic (2); Likely pathogenic (1). 1 of the submissions does not count toward it. Last evaluated 2024-10-21.

Conditions:
Hereditary factor VIII deficiency disease (HEMA). Also called: AUTOSOMAL HEMOPHILIA A; Hemophilia A, congenital; HEM A; Factor 8 deficiency, congenital; HEMOPHILIA, CLASSIC; Hemophilia A. Identifiers: Orphanet 98878, MedGen C0019069, MONDO:0010602, OMIM 306700.

Allele frequency attached by ClinVar (database versions not stated): TOPMed 0.00002.

Submissions (4):

Mayo Clinic Laboratories, Mayo Clinic
Classification: Likely pathogenic. Last evaluated: 2024-10-21. Review status: criteria provided, single submitter. Criteria: ACMG Guidelines, 2015. Collection method: clinical testing. Allele origin: germline. Observed: 1 variant allele.
Comment: PP3, PM1, PM2_supporting, PM5, PS4_moderate

Women's Health and Genetics/Laboratory Corporation of America, LabCorp
Classification: Pathogenic for Hereditary factor VIII deficiency disease. Last evaluated: 2023-08-15. Review status: criteria provided, single submitter. Criteria: LabCorp Variant Classification Summary - May 2015. Collection method: clinical testing. Allele origin: germline.
Comment: Variant summary: F8 c.6679G>A (p.Ala2227Thr) results in a non-conservative amino acid change located in the second coagulation factor 5/8 type C-terminal domain (IPR000421) of the encoded protein sequence. Five of five in-silico tools predict a damaging effect of the variant on protein function. The variant was absent in 183414 control chromosomes (gnomAD). c.6679G>A has been reported in the literature in multiple individuals affected with mild or moderate Factor VIII Deficiency (Hemophilia A) (e.g. Ravanbod_2012, Rydz_2013, Chen_2021, Johnsen_2017, Johnsen_2022). These data indicate that the variant is very likely to be associated with disease. To our knowledge, no experimental evidence demonstrating an impact on protein function has been reported. The following publications have been ascertained in the context of this evaluation (PMID: 22117735, 23913812, 33706050, 29296726, 35770352). One submitter has cited clinical-significance assessments for this variant to ClinVar after 2014 and has classified the variant as pathogenic. Based on the evidence outlined above, the variant was classified as pathogenic.

ARUP Laboratories, Molecular Genetics and Genomics, ARUP Laboratories
Classification: Pathogenic. Last evaluated: 2023-06-23. Review status: criteria provided, single submitter. Criteria: ARUP Molecular Germline Variant Investigation Process 2024. Collection method: clinical testing. Allele origin: germline.
Comment: The F8 c.6679G>A; p.Ala2227Thr variant (rs1342196860) is reported in the literature in multiple individuals affected with mild to moderate hemophilia A (see F8 database and references therein, Ravanbod 2012, Rydz 2014). This variant is also reported in ClinVar (Variation ID: 973794) and is absent from the Genome Aggregation Database, indicating it is not a common polymorphism. Computational analyses predict that this variant is deleterious (REVEL: 0.95). Based on available information, this variant is considered to be pathogenic. References: Link to Factor VIII variant database: Ravanbod S et al. Identification of 123 previously unreported mutations in the F8 gene of Iranian patients with haemophilia A. Haemophilia. 2012 May;18(3):e340-6. PMID: 22117735. Rydz N et al. The Canadian "National Program for hemophilia mutation testing" database: a ten-year review. Am J Hematol. 2013 Dec;88(12):1030-4. Erratum in: Am J Hematol. 2014 Jun;89(6):669. PMID: 23913812.

Angelo Bianchi Bonomi Hemophilia and Thrombosis Center, Fondazione IRCCS Ca Granda Ospedale Maggiore Policlinico
Classification: Pathogenic for Hereditary factor VIII deficiency disease. Last evaluated: 2019-06-01. Review status: no assertion criteria provided. Collection method: clinical testing. Allele origin: germline. Affected: yes. Observed: 1 variant allele. Not counted in ClinVar's aggregate classification.

Literature cited by the submitters: PubMed 22117735 (cited by Mayo Clinic Laboratories, Mayo Clinic and Women's Health and Genetics/Laboratory Corporation of America, LabCorp); PubMed 23913812 (cited by 3 submitters); PubMed 29296726 (cited by Mayo Clinic Laboratories, Mayo Clinic and Women's Health and Genetics/Laboratory Corporation of America, LabCorp); PubMed 32166871 (cited by Mayo Clinic Laboratories, Mayo Clinic); PubMed 32589464 (cited by Mayo Clinic Laboratories, Mayo Clinic); PubMed 32842162 (cited by Mayo Clinic Laboratories, Mayo Clinic); PubMed 33706050 (cited by Mayo Clinic Laboratories, Mayo Clinic and Women's Health and Genetics/Laboratory Corporation of America, LabCorp); PubMed 35770352 (cited by Women's Health and Genetics/Laboratory Corporation of America, LabCorp).